The following is an entry in ClinVar:

ClinVar aggregate classification (germline): Uncertain significance (1 of 4 stars; one submission).

Submission:

Labcorp Genetics (formerly Invitae), Labcorp
Classification: Uncertain significance. Last evaluated: 2023-09-27. Review status: criteria provided, single submitter. Criteria: Invitae Variant Classification Sherloc (09022015). Collection method: clinical testing. Allele origin: germline.
Comment: This variant has not been reported in the literature in individuals affected with TNNI3K-related conditions. ClinVar contains an entry for this variant (Variation ID: 1467028). In summary, the available evidence is currently insufficient to determine the role of this variant in disease. Therefore, it has been classified as a Variant of Uncertain Significance. This variant is not present in population databases (gnomAD no frequency). This sequence change creates a premature translational stop signal (p.Tyr679Phefs*21) in the TNNI3K gene. It is expected to result in an absent or disrupted protein product. However, the current clinical and genetic evidence is not sufficient to establish whether loss-of-function variants in TNNI3K cause disease.

NM_015978.3(TNNI3K):c.2033_2034insAT (p.Tyr679fs)

Genes: TNNI3K (TNNI3 interacting kinase; plus strand), FPGT-TNNI3K (FPGT-TNNI3K readthrough; plus strand). Cytogenetic location: 1p31.1.
Variant type: Insertion.
Coding change: c.2033_2034insAT on transcript NM_015978.3 (MANE Select); coding-DNA positions 2033 to 2034, AT inserted.
Protein change: p.Tyr679fs; shifts the reading frame from tyrosine 679.
Molecular consequence: frameshift variant.
Genome position: GRCh38 VCF-style: chr1-74463462-C-CAT. GRCh37 (hg19) VCF-style: chr1-74929146-C-CAT.
Other names: c.2336_2337insAT, p.Tyr780fs (NM_001112808.3, NM_001199327.2); short protein forms Y679fs, Y780fs.
Identifiers: ClinVar variation 1467028 (VCV001467028.6), dbSNP rs2100722303, ClinGen allele CA2573132595.
Genomic context (GRCh38, chr1:74,463,462, plus strand): 5'-ATGTGAATTTCAAAACTGACATGACCATTTGGTTTGCAGCGGCTGCGGCAGCAGACATGG[C>CAT]TTACCACCACATCAGACCTCCCATTGGCTATTCCATTCCCAAGCCCATATCATCTCTGCT-3'